The following is an entry in ClinVar:

ClinVar aggregate classification (germline): Conflicting classifications of pathogenicity. Review status: criteria provided, conflicting classifications (1 of 4 stars). 4 submissions from 4 submitters: Uncertain significance (2); Benign (1); Likely benign (1). Last evaluated 2025-05-16.

Conditions:
Inborn genetic diseases. Identifiers: MedGen C0950123, MeSH D030342.

Allele frequency attached by ClinVar (database versions not stated): gnomAD 0.00003; gnomAD exomes 0.00003; TOPMed 0.00005; ExAC 0.00043.
gnomAD v4.1: 39 of 1,473,830 alleles (0.0026%); highest among the groups gnomAD compares: African/African-American, 0.01%; no homozygotes.

Submissions (4):

Labcorp Genetics (formerly Invitae), Labcorp
Classification: Benign. Last evaluated: 2025-05-16. Review status: criteria provided, single submitter. Criteria: Invitae Variant Classification Sherloc (09022015). Collection method: clinical testing. Allele origin: germline.

Blueprint Genetics
Classification: Likely benign. Last evaluated: 2024-10-30. Review status: criteria provided, single submitter. Criteria: ACMG Guidelines, 2015. Collection method: clinical testing. Allele origin: germline.

Ambry Genetics
Classification: Uncertain significance for Inborn genetic diseases. Last evaluated: 2023-01-10. Review status: criteria provided, single submitter. Criteria: Ambry Variant Classification Scheme 2023. Collection method: clinical testing. Allele origin: germline.

CeGaT Center for Human Genetics Tuebingen
Classification: Uncertain significance. Last evaluated: 2022-08-01. Review status: criteria provided, single submitter. Criteria: CeGaT Center For Human Genetics Tuebingen Variant Classification Criteria Version 2. Collection method: clinical testing. Allele origin: germline. Affected: yes. Observed: 1 variant allele.
Comment: KMT2B: PM2, PP4

NM_014727.3(KMT2B):c.1391C>T (p.Thr464Met)

Gene: KMT2B (lysine methyltransferase 2B; plus strand). Cytogenetic location: 19q13.12.
Variant type: single nucleotide variant.
Coding change: c.1391C>T on transcript NM_014727.3 (MANE Select); coding-DNA position 1391, C replaced by T.
Protein change: p.Thr464Met; replaces threonine 464 with methionine.
Molecular consequence: missense variant.
Genome position (GRCh38, 1-based): chr19:35,720,738, C>T. VCF-style: chr19-35720738-C-T. GRCh37 (hg19) VCF-style: chr19-36211640-C-T.
Other names: c.1391C>T (NM_014727.1); short protein forms T464M.
Identifiers: ClinVar variation 1711479 (VCV001711479.34), dbSNP rs767973202, ClinGen allele CA9384220.